The following is an entry in ClinVar:

NM_005431.2(XRCC2):c.188C>T (p.Ala63Val)

Gene: XRCC2 (X-ray repair cross complementing 2; minus strand). Cytogenetic location: 7q36.1.
Variant type: single nucleotide variant.
Coding change: c.188C>T on transcript NM_005431.2 (MANE Select); coding-DNA position 188, C replaced by T.
Protein change: p.Ala63Val; replaces alanine 63 with valine.
Molecular consequence: missense variant.
Genome position (GRCh38, 1-based): chr7:152,649,297, G>A on the plus strand (C>T on the coding strand, the complement: XRCC2 is on the minus strand). VCF-style: chr7-152649297-G-A. GRCh37 (hg19) VCF-style: chr7-152346382-G-A.
Other names: short protein forms A63V.
Identifiers: ClinVar variation 1782039 (VCV001782039.2), dbSNP rs2485882005, ClinGen allele CA370199234.

ClinVar aggregate classification (germline): Uncertain significance (1 of 4 stars; one submission).

Conditions:
Hereditary cancer-predisposing syndrome. Also called: Neoplastic Syndromes, Hereditary; Tumor predisposition; Hereditary Cancer Syndrome; Hereditary neoplastic syndrome. Identifiers: Orphanet 140162, MedGen C0027672, MeSH D009386, MONDO:0015356.

Submission:

Ambry Genetics
Classification: Uncertain significance for Hereditary cancer-predisposing syndrome. Last evaluated: 2022-07-27. Review status: criteria provided, single submitter. Criteria: Ambry Variant Classification Scheme 2023. Collection method: clinical testing. Allele origin: germline.
Comment: The p.A63V variant (also known as c.188C>T), located in coding exon 3 of the XRCC2 gene, results from a C to T substitution at nucleotide position 188. The alanine at codon 63 is replaced by valine, an amino acid with similar properties. This amino acid position is conserved. In addition, this alteration is predicted to be tolerated by in silico analysis. Since supporting evidence is limited at this time, the clinical significance of this alteration remains unclear.